The following is an entry in ClinVar:

NM_020066.5(FMN2):c.3111C>A (p.Pro1037=)

Gene: FMN2 (formin 2; plus strand). Cytogenetic location: 1q43.
Variant type: single nucleotide variant.
Coding change: c.3111C>A on transcript NM_020066.5 (MANE Select); coding-DNA position 3111, C replaced by A.
Protein change: p.Pro1037=; no amino-acid change (proline 1037 retained).
Molecular consequence: synonymous variant. On other transcripts: intron variant (1).
Genome position (GRCh38, 1-based): chr1:240,207,923, C>A. VCF-style: chr1-240207923-C-A. GRCh37 (hg19) VCF-style: chr1-240371223-C-A.
Other names: c.3123C>A, p.Pro1041= (NM_001305424.2); c.1986+19661C>A (NM_001348094.2).
Identifiers: ClinVar variation 4873528 (VCV004873528.2).

ClinVar aggregate classification (germline): Likely benign (1 of 4 stars; one submission).

Submission:

CeGaT Center for Human Genetics Tuebingen
Classification: Likely benign. Last evaluated: 2026-04-01. Review status: criteria provided, single submitter. Criteria: CeGaT Center For Human Genetics Tuebingen Variant Classification Criteria Version 2. Collection method: clinical testing. Allele origin: germline. Affected: yes. Observed: 1 variant allele.
Comment: FMN2: BP4, BP7